The following is an entry in ClinVar:

ClinVar aggregate classification (germline): Uncertain significance. Review status: criteria provided, multiple submitters, no conflicts (2 of 4 stars). 2 submissions from 2 submitters: Uncertain significance (2). Last evaluated 2024-03-25.

Conditions:
Inborn genetic diseases. Identifiers: MedGen C0950123, MeSH D030342.

Allele frequency attached by ClinVar (database versions not stated): TOPMed below 0.00001; gnomAD 0.00001; ExAC 0.00002; gnomAD exomes 0.00002.
gnomAD v4.1: 27 of 1,613,390 alleles (0.0017%); highest among the groups gnomAD compares: African/African-American, 0.0067%; no homozygotes.

Submissions (2):

Labcorp Genetics (formerly Invitae), Labcorp
Classification: Uncertain significance. Last evaluated: 2024-03-25. Review status: criteria provided, single submitter. Criteria: Invitae Variant Classification Sherloc (09022015). Collection method: clinical testing. Allele origin: germline.
Comment: This sequence change replaces isoleucine, which is neutral and non-polar, with valine, which is neutral and non-polar, at codon 768 of the AP3D1 protein (p.Ile768Val). This variant is present in population databases (rs777741574, gnomAD 0.007%). This variant has not been reported in the literature in individuals affected with AP3D1-related conditions. ClinVar contains an entry for this variant (Variation ID: 2249244). Algorithms developed to predict the effect of missense changes on protein structure and function output the following: SIFT: "Not Available"; PolyPhen-2: "Benign"; Align-GVGD: "Not Available". The valine amino acid residue is found in multiple mammalian species, which suggests that this missense change does not adversely affect protein function. In summary, the available evidence is currently insufficient to determine the role of this variant in disease. Therefore, it has been classified as a Variant of Uncertain Significance.

Ambry Genetics
Classification: Uncertain significance for Inborn genetic diseases. Last evaluated: 2021-09-15. Review status: criteria provided, single submitter. Criteria: Ambry Variant Classification Scheme 2023. Collection method: clinical testing. Allele origin: germline.

NM_001261826.3(AP3D1):c.2302A>G (p.Ile768Val)

Gene: AP3D1 (adaptor related protein complex 3 subunit delta 1; minus strand). Cytogenetic location: 19p13.3.
Variant type: single nucleotide variant.
Coding change: c.2302A>G on transcript NM_001261826.3 (MANE Select); coding-DNA position 2302, A replaced by G.
Protein change: p.Ile768Val; replaces isoleucine 768 with valine.
Molecular consequence: missense variant.
Genome position (GRCh38, 1-based): chr19:2,115,266, T>C on the plus strand (A>G on the coding strand, the complement: AP3D1 is on the minus strand). VCF-style: chr19-2115266-T-C. GRCh37 (hg19) VCF-style: chr19-2115265-T-C.
Other names: c.2302A>G, p.Ile768Val (NM_001374799.1, NM_003938.8); short protein forms I768V.
Identifiers: ClinVar variation 2249244 (VCV002249244.4), dbSNP rs777741574, ClinGen allele CA9058932.
Genomic context (GRCh38, chr19:2,115,266, plus strand): 5'-CAGCGAGGCTGACCTCAGGCATCTCCTCTGTGACGATGTCCACCTGCTGGGCAGGGGCGA[T>C]GTCCTCGTCGCTCTCCGTGGGCAGCGAGCTGTGGCGGCGCTTGCCCTTCTTCTCCTTCTC-3'
Protein context (NP_001248755.1, residues 758-778): SSLPTESDED[Ile768Val]APAQQVDIVT